The following is an entry in ClinVar:

NM_000275.3(OCA2):c.336C>A (p.Cys112Ter)

Gene: OCA2 (OCA2 melanosomal transmembrane protein; minus strand). Cytogenetic location: 15q13.1.
Variant type: single nucleotide variant.
Coding change: c.336C>A on transcript NM_000275.3 (MANE Select); coding-DNA position 336, C replaced by A.
Protein change: p.Cys112Ter; replaces cysteine 112 with a stop codon.
Molecular consequence: nonsense.
Genome position (GRCh38, 1-based): chr15:28,028,050, G>T on the plus strand (C>A on the coding strand, the complement: OCA2 is on the minus strand). VCF-style: chr15-28028050-G-T. GRCh37 (hg19) VCF-style: chr15-28273196-G-T.
Other names: c.336C>A, p.Cys112Ter (NM_001300984.2); short protein forms C112*.
Identifiers: ClinVar variation 4732240 (VCV004732240.1).

ClinVar aggregate classification (germline): Pathogenic (1 of 4 stars; one submission).

Submission:

Labcorp Genetics (formerly Invitae), Labcorp
Classification: Pathogenic. Last evaluated: 2025-12-31. Review status: criteria provided, single submitter. Criteria: Invitae Variant Classification Sherloc (09022015). Collection method: clinical testing. Allele origin: germline.
Comment: This sequence change creates a premature translational stop signal (p.Cys112*) in the OCA2 gene. It is expected to result in an absent or disrupted protein product. Loss-of-function variants in OCA2 are known to be pathogenic (PMID: 19865097, 21541274). This variant is not present in population databases (gnomAD no frequency). This variant has not been reported in the literature in individuals affected with OCA2-related conditions. For these reasons, this variant has been classified as Pathogenic.

Literature cited by the submitters: PubMed 19865097; PubMed 21541274.